The following is an entry in ClinVar:

ClinVar aggregate classification (germline): Likely benign (1 of 4 stars; one submission).

gnomAD v4.1: 206 of 1,612,960 alleles (0.013%); highest among the groups gnomAD compares: African/African-American, 0.23%; no homozygotes.

Submissions (3):

CeGaT Center for Human Genetics Tuebingen
Classification: Likely benign. Last evaluated: 2026-03-01. Review status: criteria provided, single submitter. Criteria: CeGaT Center For Human Genetics Tuebingen Variant Classification Criteria Version 2. Collection method: clinical testing. Allele origin: germline. Affected: yes. Observed: 1 variant allele.
Comment: SETD1A: BS1

Dr. Peter K. Rogan Lab, Western University
No classification provided (evidence only). Condition: Uterine corpus endometrial carcinoma. Review status: no classification provided. Collection method: in vitro. Allele origin: not applicable. Functional consequence: retained intron. Not counted in ClinVar's aggregate classification.

Dr. Peter K. Rogan Lab, Western University
No classification provided (evidence only). Condition: Nonpapillary renal cell carcinoma. Review status: no classification provided. Collection method: in vitro. Allele origin: not applicable. Functional consequence: skipped exon. Not counted in ClinVar's aggregate classification.

NM_014712.3(SETD1A):c.621G>A (p.Ser207=)

Gene: SETD1A (SET domain containing 1A, histone lysine methyltransferase; plus strand). Cytogenetic location: 16p11.2.
Variant type: single nucleotide variant.
Coding change: c.621G>A on transcript NM_014712.3 (MANE Select); coding-DNA position 621, G replaced by A.
Protein change: p.Ser207=; no amino-acid change (serine 207 retained).
Molecular consequence: synonymous variant.
Genome position (GRCh38, 1-based): chr16:30,963,536, G>A. VCF-style: chr16-30963536-G-A. GRCh37 (hg19) VCF-style: chr16-30974857-G-A.
Other names: NC_000016.9:g.30974857G>A.
Identifiers: ClinVar variation 4411149 (VCV004411149.5).